The following is an entry in ClinVar:

ClinVar aggregate classification (germline): Conflicting classifications of pathogenicity. Review status: criteria provided, conflicting classifications (1 of 4 stars). 2 submissions from 2 submitters: Uncertain significance (1); Likely benign (1). Last evaluated 2025-12-31.

Conditions:
Hereditary cancer-predisposing syndrome. Also called: Neoplastic Syndromes, Hereditary; Hereditary neoplastic syndrome; Tumor predisposition; Hereditary Cancer Syndrome. Identifiers: Orphanet 140162, MedGen C0027672, MeSH D009386, MONDO:0015356.

Submissions (2):

Ambry Genetics
Classification: Uncertain significance for Hereditary cancer-predisposing syndrome. Last evaluated: 2025-12-31. Review status: criteria provided, single submitter. Criteria: Ambry Variant Classification Scheme 2023. Collection method: clinical testing. Allele origin: germline.
Comment: The p.T665K variant (also known as c.1994C>A), located in coding exon 10 of the BRCA2 gene, results from a C to A substitution at nucleotide position 1994. The threonine at codon 665 is replaced by lysine, an amino acid with similar properties. This amino acid position is not well conserved in available vertebrate species. In addition, the in silico prediction for this alteration is inconclusive. Based on the available evidence, the clinical significance of this variant remains unclear.

University of Washington Department of Laboratory Medicine, University of Washington
Classification: Likely benign for Hereditary cancer-predisposing syndrome. Last evaluated: 2023-03-23. Review status: criteria provided, single submitter. Criteria: Dines et al. (Genet Med. 2020). Collection method: curation. Allele origin: germline.
Comment: Missense variant in a coldspot region where missense variants are very unlikely to be pathogenic (PMID:31911673).

BRCA2 exon 11 coldspot. Reclassification based on statistical prior probability.

NM_000059.4(BRCA2):c.1994C>A (p.Thr665Lys)

Gene: BRCA2 (BRCA2 DNA repair associated; plus strand). Cytogenetic location: 13q13.1.
Variant type: single nucleotide variant.
Coding change: c.1994C>A on transcript NM_000059.4 (MANE Select); coding-DNA position 1994, C replaced by A.
Protein change: p.Thr665Lys; replaces threonine 665 with lysine.
Molecular consequence: missense variant.
Genome position (GRCh38, 1-based): chr13:32,336,349, C>A. VCF-style: chr13-32336349-C-A. GRCh37 (hg19) VCF-style: chr13-32910486-C-A.
Other names: short protein forms T665K.
Identifiers: ClinVar variation 141659 (VCV000141659.6), dbSNP rs587781917, ClinGen allele CA014101.